The following is an entry in ClinVar:

ClinVar aggregate classification (germline): Likely pathogenic (1 of 4 stars; one submission).

Conditions:
Spastic paraplegia. Identifiers: MedGen C0037772, HP:0001258.

Submission:

Labcorp Genetics (formerly Invitae), Labcorp
Classification: Likely pathogenic for Spastic paraplegia. Last evaluated: 2019-03-23. Review status: criteria provided, single submitter. Criteria: Invitae Variant Classification Sherloc (09022015). Collection method: clinical testing. Allele origin: germline.
Comment: In summary, the currently available evidence indicates that the variant is pathogenic, but additional data are needed to prove that conclusively. Therefore, this variant has been classified as Likely Pathogenic. This variant disrupts the C-terminus of the SACS protein. Other variant(s) that disrupt this region (p.Lys3867Asnfs*1, p.Gln4356*, p.Glu4309*) have been observed in individuals with SACS-related conditions (PMID: 26288984). This suggests that this may be a clinically significant region of the protein. This variant has not been reported in the literature in individuals with SACS-related conditions. This variant is not present in population databases (ExAC no frequency). This sequence change results in a premature translational stop signal in the SACS gene (p.Ser3722Argfs*9). While this is not anticipated to result in nonsense mediated decay, it is expected to disrupt the last 858 amino acids of the SACS protein.

Literature cited by the submitters: PubMed 26288984.

NM_014363.6(SACS):c.11166_11167del (p.Ser3722fs)

Gene: SACS (sacsin molecular chaperone; minus strand). Cytogenetic location: 13q12.12.
Variant type: Deletion.
Coding change: c.11166_11167del on transcript NM_014363.6 (MANE Select); coding-DNA positions 11166 to 11167, 2 bases deleted (TG; older notation c.11166_11167delTG).
Protein change: p.Ser3722fs; shifts the reading frame from serine 3722.
Molecular consequence: frameshift variant.
Genome position (GRCh38, 1-based): chr13:23,332,709-23,332,710, CA deleted on the plus strand (TG on the coding strand, the reverse complement: SACS is on the minus strand); deleting any 2 consecutive bases within chr13:23,332,709-23,332,711 gives the same sequence; the c. name uses the placement nearest the transcript's 3' end. VCF-style (leftmost placement, unchanged base first): chr13-23332708-TCA-T. GRCh37 (hg19) VCF-style: chr13-23906847-TCA-T.
Other names: c.10725_10726del, p.Ser3575fs (NM_001278055.2); short protein forms S3722fs, S3575fs.
Identifiers: ClinVar variation 861545 (VCV000861545.9), dbSNP rs1883566609, ClinGen allele CA916083350.